The following is an entry in ClinVar:

NM_020166.5(MCCC1):c.2014del (p.Asp672fs)

Gene: MCCC1 (methylcrotonyl-CoA carboxylase subunit 1; minus strand). Cytogenetic location: 3q27.1.
Variant type: Deletion.
Coding change: c.2014del on transcript NM_020166.5 (MANE Select); coding-DNA position 2014, one base deleted (G; older notation c.2014delG).
Protein change: p.Asp672fs; shifts the reading frame from aspartic acid 672.
Molecular consequence: frameshift variant. On other transcripts: non-coding transcript variant (2).
Genome position (GRCh38, 1-based): chr3:183,017,301, C deleted on the plus strand (G on the coding strand, the reverse complement: MCCC1 is on the minus strand). VCF-style (leftmost placement, unchanged base first): chr3-183017300-TC-T. GRCh37 (hg19) VCF-style: chr3-182735088-TC-T.
Other names: c.1663del, p.Asp555fs (NM_001293273.2); c.1687del, p.Asp563fs (NM_001363880.1); short protein forms D555fs, D563fs, D672fs.
Identifiers: ClinVar variation 2770664 (VCV002770664.3), dbSNP rs2530014641, ClinGen allele CA2697557014.
Genomic context (GRCh38, chr3:183,017,300, plus strand): 5'-AGCAAATGAACTCATGATTTCCTTACCTCCATCTTCATGGCGATCATAACCATGAGGGAA[TC>T]TCCCGCTTTCACTTTGTCTCCAGCTTTGACAAACACCTTGAGATTCAGTGTGACAGGTTA-3'

ClinVar aggregate classification (germline): Pathogenic (1 of 4 stars; one submission).

Conditions:
3-methylcrotonyl-CoA carboxylase 1 deficiency (MCC1D). Also called: MCCD TYPE 1; METHYLCROTONYLGLYCINURIA TYPE I; MCC 1 deficiency; 3 Alpha methylcrotonylglycinuria 1. Identifiers: Orphanet 6, MedGen CN028786, MONDO:0008861, OMIM 210200.

Submission:

Labcorp Genetics (formerly Invitae), Labcorp
Classification: Pathogenic for 3-methylcrotonyl-CoA carboxylase 1 deficiency. Last evaluated: 2023-10-22. Review status: criteria provided, single submitter. Criteria: Invitae Variant Classification Sherloc (09022015). Collection method: clinical testing. Allele origin: germline.
Comment: This sequence change creates a premature translational stop signal (p.Asp672Ilefs*6) in the MCCC1 gene. While this is not anticipated to result in nonsense mediated decay, it is expected to disrupt the last 54 amino acid(s) of the MCCC1 protein. This variant is not present in population databases (gnomAD no frequency). This variant has not been reported in the literature in individuals affected with MCCC1-related conditions. Algorithms developed to predict the effect of sequence changes on RNA splicing suggest that this variant may disrupt the consensus splice site. This variant disrupts a region of the MCCC1 protein in which other variant(s) (p.Val697Serfs*19) have been determined to be pathogenic (PMID: 22642865; Invitae). This suggests that this is a clinically significant region of the protein, and that variants that disrupt it are likely to be disease-causing. For these reasons, this variant has been classified as Pathogenic.

Literature cited by the submitters: PubMed 22642865.